The following is an entry in ClinVar:

NM_001848.3(COL6A1):c.227+5G>C

Gene: COL6A1 (collagen type VI alpha 1 chain; plus strand). Cytogenetic location: 21q22.3.
Variant type: single nucleotide variant.
Coding change: c.227+5G>C on transcript NM_001848.3 (MANE Select); 5 bases into the intron after coding-DNA position 227, G replaced by C.
Molecular consequence: intron variant.
Genome position (GRCh38, 1-based): chr21:45,982,768, G>C. VCF-style: chr21-45982768-G-C. GRCh37 (hg19) VCF-style: chr21-47402682-G-C.
Identifiers: ClinVar variation 4738293 (VCV004738293.1).

ClinVar aggregate classification (germline): Uncertain significance (1 of 4 stars; one submission).

Conditions:
Bethlem myopathy 1A. Also called: MYOPATHY, BENIGN CONGENITAL, WITH CONTRACTURES; Bethlem myopathy 1; Bethlem Muscular Dystrophy. Identifiers: Orphanet 610, MedGen CN029274, MONDO:0024530, OMIM 158810.

gnomAD v4.1: 4 of 1,611,820 alleles (0.00025%); highest among the groups gnomAD compares: Non-Finnish European, 0.00034%; no homozygotes.

Submission:

Labcorp Genetics (formerly Invitae), Labcorp
Classification: Uncertain significance for Bethlem myopathy 1A. Last evaluated: 2025-07-01. Review status: criteria provided, single submitter. Criteria: Invitae Variant Classification Sherloc (09022015). Collection method: clinical testing. Allele origin: germline.
Comment: This sequence change falls in intron 2 of the COL6A1 gene. It does not directly change the encoded amino acid sequence of the COL6A1 protein. It affects a nucleotide within the consensus splice site. This variant is present in population databases (no rsID available, gnomAD 0.0009%). This variant has not been reported in the literature in individuals affected with COL6A1-related conditions. Variants that disrupt the consensus splice site are a relatively common cause of aberrant splicing (PMID: 17576681, 9536098). Algorithms developed to predict the effect of sequence changes on RNA splicing suggest that this variant is not likely to affect RNA splicing. In summary, the available evidence is currently insufficient to determine the role of this variant in disease. Therefore, it has been classified as a Variant of Uncertain Significance.

Literature cited by the submitters: PubMed 17576681; PubMed 9536098.